The following is an entry in ClinVar:

ClinVar aggregate classification (germline): Likely pathogenic. Review status: criteria provided, multiple submitters, no conflicts (2 of 4 stars). 2 submissions from 2 submitters: Likely pathogenic (2). Last evaluated 2024-09-24.

Conditions:
Retinal dystrophy. Also called: Inherited retinal dystrophy. Identifiers: Orphanet 71862, MedGen C0854723, MeSH D058499, MONDO:0019118, HP:0000556.
Abnormality of the eye. Identifiers: MedGen C4316870, HP:0000478.

Submissions (2):

Women's Health and Genetics/Laboratory Corporation of America, LabCorp
Classification: Likely pathogenic for Retinal dystrophy. Last evaluated: 2024-09-24. Review status: criteria provided, single submitter. Criteria: LabCorp Variant Classification Summary - May 2015. Collection method: clinical testing. Allele origin: germline.
Comment: Variant summary: CRB1 c.548G>A (p.Cys183Tyr) results in a non-conservative amino acid change located in the EGF-like domain (IPR000742) of the encoded protein sequence. Five of five in-silico tools predict a damaging effect of the variant on protein function. The variant was absent in 251390 control chromosomes. c.548G>A has been reported in the literature in homozygous individuals affected with Retinitis Pigmentosa and/or Leber congenital amaurosis (e.g. Abolhassani_2024, Tayebi_2019). These data indicate that the variant is likely to be associated with disease. To our knowledge, no experimental evidence demonstrating an impact on protein function has been reported. The following publications have been ascertained in the context of this evaluation (PMID: 38374194, 30820146). ClinVar contains an entry for this variant (Variation ID: 1180656). Based on the evidence outlined above, the variant was classified as likely pathogenic.

Kariminejad - Najmabadi Pathology & Genetics Center
Classification: Likely pathogenic for Abnormality of the eye. Last evaluated: 2021-07-10. Review status: criteria provided, single submitter. Criteria: ACMG Guidelines, 2015. Collection method: clinical testing. Allele origin: germline. Affected: yes.

Literature cited by the submitters: PubMed 38374194 (cited by Women's Health and Genetics/Laboratory Corporation of America, LabCorp); PubMed 30820146 (cited by Women's Health and Genetics/Laboratory Corporation of America, LabCorp).

NM_201253.3(CRB1):c.548G>A (p.Cys183Tyr)

Gene: CRB1 (crumbs cell polarity complex component 1; plus strand). Cytogenetic location: 1q31.3.
Variant type: single nucleotide variant.
Coding change: c.548G>A on transcript NM_201253.3 (MANE Select); coding-DNA position 548, G replaced by A.
Protein change: p.Cys183Tyr; replaces cysteine 183 with tyrosine.
Molecular consequence: missense variant. On other transcripts: non-coding transcript variant (2).
Genome position (GRCh38, 1-based): chr1:197,328,899, G>A. VCF-style: chr1-197328899-G-A. GRCh37 (hg19) VCF-style: chr1-197298029-G-A.
Other names: c.548G>A, p.Cys183Tyr (NM_001193640.2, NM_001257966.2); c.341G>A, p.Cys114Tyr (NM_001257965.2); short protein forms C114Y, C183Y.
Identifiers: ClinVar variation 1180656 (VCV001180656.2), dbSNP rs2125304648, ClinGen allele CA344081528.